The following is an entry in ClinVar:

ClinVar aggregate classification (germline): Uncertain significance (1 of 4 stars; one submission).

Submission:

CeGaT Center for Human Genetics Tuebingen
Classification: Uncertain significance. Last evaluated: 2026-06-01. Review status: criteria provided, single submitter. Criteria: CeGaT Center For Human Genetics Tuebingen Variant Classification Criteria Version 2. Collection method: clinical testing. Allele origin: germline. Affected: yes. Observed: 1 variant allele.
Comment: CTCF: PM2:Supporting, BP4

NM_006565.4(CTCF):c.264T>C (p.Ala88=)

Gene: CTCF (CCCTC-binding factor; plus strand). Cytogenetic location: 16q22.1.
Variant type: single nucleotide variant.
Coding change: c.264T>C on transcript NM_006565.4 (MANE Select); coding-DNA position 264, T replaced by C.
Protein change: p.Ala88=; no amino-acid change (alanine 88 retained).
Molecular consequence: synonymous variant. On other transcripts: intron variant (1).
Genome position (GRCh38, 1-based): chr16:67,611,096, T>C. VCF-style: chr16-67611096-T-C. GRCh37 (hg19) VCF-style: chr16-67644999-T-C.
Other names: c.264T>C, p.Ala88= (NM_001363916.2, NM_001438968.1, NM_001438969.1); c.-32-5649T>C (NM_001191022.2).
Identifiers: ClinVar variation 4875107 (VCV004875107.2).